The following is an entry in ClinVar:

NM_000288.4(PEX7):c.322A>G (p.Lys108Glu)

Gene: PEX7 (peroxisomal biogenesis factor 7; plus strand). Cytogenetic location: 6q23.3.
Variant type: single nucleotide variant.
Coding change: c.322A>G on transcript NM_000288.4 (MANE Select); coding-DNA position 322, A replaced by G.
Protein change: p.Lys108Glu; replaces lysine 108 with glutamic acid.
Molecular consequence: missense variant.
Genome position (GRCh38, 1-based): chr6:136,826,452, A>G. VCF-style: chr6-136826452-A-G. GRCh37 (hg19) VCF-style: chr6-137147590-A-G.
Other names: c.322A>G (NM_000288.3); short protein forms K108E.
Identifiers: ClinVar variation 1419909 (VCV001419909.6), dbSNP rs760182861, ClinGen allele CA148641174.

ClinVar aggregate classification (germline): Uncertain significance. Review status: criteria provided, multiple submitters, no conflicts (2 of 4 stars). 2 submissions from 2 submitters: Uncertain significance (2). Last evaluated 2025-08-25.

Conditions:
Peroxisome biogenesis disorder 9B. Also called: PEX7-Related Refsum Disease; PEROXISOME BIOGENESIS DISORDER, PEX7-RELATED, ATYPICAL; Refsum disease, adult, 2. Identifiers: Orphanet 773, MedGen C2749346, MONDO:0013945, OMIM 614879.
Inborn genetic diseases. Identifiers: MedGen C0950123, MeSH D030342.

Allele frequency attached by ClinVar (database versions not stated): gnomAD exomes 0.00002; TOPMed below 0.00001.
gnomAD v4.1: 40 of 1,614,020 alleles (0.0025%); highest among the groups gnomAD compares: Non-Finnish European, 0.0026%; no homozygotes.

Submissions (2):

Ambry Genetics
Classification: Uncertain significance for Inborn genetic diseases. Last evaluated: 2025-08-25. Review status: criteria provided, single submitter. Criteria: Ambry Variant Classification Scheme 2023. Collection method: clinical testing. Allele origin: germline.

Labcorp Genetics (formerly Invitae), Labcorp
Classification: Uncertain significance for Peroxisome biogenesis disorder 9B. Last evaluated: 2022-07-26. Review status: criteria provided, single submitter. Criteria: Invitae Variant Classification Sherloc (09022015). Collection method: clinical testing. Allele origin: germline.
Comment: This sequence change replaces lysine, which is basic and polar, with glutamic acid, which is acidic and polar, at codon 108 of the PEX7 protein (p.Lys108Glu). This variant is not present in population databases (gnomAD no frequency). This variant has not been reported in the literature in individuals affected with PEX7-related conditions. ClinVar contains an entry for this variant (Variation ID: 1419909). Algorithms developed to predict the effect of missense changes on protein structure and function are either unavailable or do not agree on the potential impact of this missense change (SIFT: "Deleterious"; PolyPhen-2: "Benign"; Align-GVGD: "Class C0"). In summary, the available evidence is currently insufficient to determine the role of this variant in disease. Therefore, it has been classified as a Variant of Uncertain Significance.